The following is an entry in ClinVar:

ClinVar aggregate classification (germline): Pathogenic (1 of 4 stars; one submission).

Conditions:
Marfan syndrome (MFS). Also called: MARFAN SYNDROME, TYPE I; Marfan syndrome type 1; Marfan's syndrome; Marfan syndrome, classic; FBN1-Related Marfan Syndrome. Identifiers: Orphanet 284963, Orphanet 558, MedGen C0024796, MONDO:0007947, OMIM 154700.
Familial thoracic aortic aneurysm and aortic dissection (TAAD). Also called: Thoracic aortic aneurysms and dissections. Identifiers: Orphanet 91387, MedGen C4707243, MONDO:0019625.

Allele frequency attached by ClinVar (database versions not stated): TOPMed below 0.00001.

Submission:

Labcorp Genetics (formerly Invitae), Labcorp
Classification: Pathogenic for Marfan syndrome; Familial thoracic aortic aneurysm and aortic dissection. Last evaluated: 2023-06-02. Review status: criteria provided, single submitter. Criteria: Invitae Variant Classification Sherloc (09022015). Collection method: clinical testing. Allele origin: germline.
Comment: This sequence change replaces cysteine, which is neutral and slightly polar, with arginine, which is basic and polar, at codon 499 of the FBN1 protein (p.Cys499Arg). This variant disrupts the p.Cys499 amino acid residue in FBN1. Other variant(s) that disrupt this residue have been observed in individuals with FBN1-related conditions (PMID: 18471089), which suggests that this may be a clinically significant amino acid residue. For these reasons, this variant has been classified as Pathogenic. This variant is not present in population databases (gnomAD no frequency). This missense change has been observed in individuals with Marfan syndrome (PMID: 10486319; Invitae). Advanced modeling of protein sequence and biophysical properties (such as structural, functional, and spatial information, amino acid conservation, physicochemical variation, residue mobility, and thermodynamic stability) performed at Invitae indicates that this missense variant is expected to disrupt FBN1 protein function. This variant affects a cysteine residue in the EGF-like, TGFBP or hybrid motif domains of FBN1. Cysteine residues are believed to be involved in intramolecular disulfide bridges and have been shown to be important for FBN1 protein structure (PMID: 16905551, 19349279). In addition, missense substitutions affecting cysteine residues within these domains are significantly overrepresented among patients with Marfan syndrome (PMID: 16571647, 17701892).

Literature cited by the submitters: PubMed 18471089; PubMed 10486319; PubMed 16905551; PubMed 19349279; PubMed 16571647; PubMed 17701892.

NM_000138.5(FBN1):c.1495T>C (p.Cys499Arg)

Gene: FBN1 (fibrillin 1; minus strand). Cytogenetic location: 15q21.1.
Variant type: single nucleotide variant.
Coding change: c.1495T>C on transcript NM_000138.5 (MANE Select); coding-DNA position 1495, T replaced by C.
Protein change: p.Cys499Arg; replaces cysteine 499 with arginine.
Molecular consequence: missense variant.
Genome position (GRCh38, 1-based): chr15:48,513,642, A>G on the plus strand (T>C on the coding strand, the complement: FBN1 is on the minus strand). VCF-style: chr15-48513642-A-G. GRCh37 (hg19) VCF-style: chr15-48805839-A-G.
Other names: c.1495T>C, p.Cys499Arg (NM_001406716.1); short protein forms C499R.
Identifiers: ClinVar variation 2925575 (VCV002925575.3), dbSNP rs2043778680, ClinGen allele CA392342701.